The following is an entry in ClinVar:

NM_001378452.1(ITPR1):c.443G>A (p.Arg148Lys)

Gene: ITPR1 (inositol 1,4,5-trisphosphate receptor type 1; plus strand). Cytogenetic location: 3p26.1.
Variant type: single nucleotide variant.
Coding change: c.443G>A on transcript NM_001378452.1 (MANE Select); coding-DNA position 443, G replaced by A.
Protein change: p.Arg148Lys; replaces arginine 148 with lysine.
Molecular consequence: missense variant.
Genome position (GRCh38, 1-based): chr3:4,642,169, G>A. VCF-style: chr3-4642169-G-A. GRCh37 (hg19) VCF-style: chr3-4683853-G-A.
Other names: c.443G>A, p.Arg148Lys (NM_001099952.4, NM_001168272.2, NM_002222.7); short protein forms R148K.
Identifiers: ClinVar variation 1028006 (VCV001028006.2), dbSNP rs2093352735, ClinGen allele CA351634409.

ClinVar aggregate classification (germline): Uncertain significance. Review status: criteria provided, multiple submitters, no conflicts (2 of 4 stars). 2 submissions from 2 submitters: Uncertain significance (2). Last evaluated 2023-09-11.

Conditions:
Gillespie syndrome (GLSP). Also called: Aniridia-cerebellar ataxia-intellectual disability syndrome; Aniridia, cerebellar ataxia, and mental deficiency. Identifiers: Orphanet 1065, MedGen C0431401, MONDO:0008795, OMIM 206700.

Allele frequency attached by ClinVar (database versions not stated): gnomAD exomes below 0.00001.
gnomAD v4.1: 2 of 1,609,634 alleles (0.00012%); highest among the groups gnomAD compares: Non-Finnish European, 0.00017%; no homozygotes.

Submissions (2):

Blueprint Genetics
Classification: Uncertain significance. Last evaluated: 2023-09-11. Review status: criteria provided, single submitter. Criteria: ACMG Guidelines, 2015. Collection method: clinical testing. Allele origin: germline.

Baylor Genetics
Classification: Uncertain significance for Gillespie syndrome. Last evaluated: 2019-09-25. Review status: criteria provided, single submitter. Criteria: ACMG Guidelines, 2015. Collection method: clinical testing. Allele origin: maternal. Affected: yes.
Comment: This variant was determined to be of uncertain significance according to ACMG Guidelines, 2015 [PMID:25741868].